The following is an entry in ClinVar:

ClinVar aggregate classification (germline): Uncertain significance (1 of 4 stars; one submission).

Conditions:
Polycystic kidney disease 4 (PKD4). Also called: POLYCYSTIC KIDNEY DISEASE 4 WITH OR WITHOUT POLYCYSTIC LIVER DISEASE; PKD3; POLYCYSTIC KIDNEY AND HEPATIC DISEASE 1; POLYCYSTIC KIDNEY DISEASE, INFANTILE, TYPE I; Autosomal Recessive Polycystic Kidney Disease – PKHD1. Identifiers: MedGen C4540575, MONDO:0033004, OMIM 263200.

Submission:

MVZ Medizinische Genetik Mainz
Classification: Uncertain significance for Polycystic kidney disease 4. Last evaluated: 2022-11-03. Review status: criteria provided, single submitter. Criteria: UK Practice Guidelines For Variant Classification V4 01 2020. Collection method: clinical testing. Allele origin: germline. Inheritance: Autosomal dominant inheritance. Affected: yes. Observed: 1 variant allele.
Comment: ACMG Criteria: PM2_SUP, PP3, PP4 (ACMG Version 4)

NM_138694.4(PKHD1):c.10067A>T (p.Asp3356Val)

Gene: PKHD1 (PKHD1 ciliary IPT domain containing fibrocystin/polyductin; minus strand). Cytogenetic location: 6p12.3.
Variant type: single nucleotide variant.
Coding change: c.10067A>T on transcript NM_138694.4 (MANE Select); coding-DNA position 10067, A replaced by T.
Protein change: p.Asp3356Val; replaces aspartic acid 3356 with valine.
Molecular consequence: missense variant.
Genome position (GRCh38, 1-based): chr6:51,744,474, T>A on the plus strand (A>T on the coding strand, the complement: PKHD1 is on the minus strand). VCF-style: chr6-51744474-T-A. GRCh37 (hg19) VCF-style: chr6-51609272-T-A.
Other names: c.10067A>T, p.Asp3356Val (NM_170724.3); short protein forms D3356V.
Identifiers: ClinVar variation 3236117 (VCV003236117.1), dbSNP rs2533731307, ClinGen allele CA364418367.
Genomic context (GRCh38, chr6:51,744,474, plus strand): 5'-GCCTCTGTTTTAGGAAATACAGAAACTGGTGGAGGCAGACCCAGGGCTCTCCCATCCAGA[T>A]CCTTGAAGAGATATTTTCTTGGACTTGCACAGTCTAATTCAGGACAGACTACTTTTCCTA-3'
Protein context (NP_619639.3, residues 3346-3366): CASPRKYLFK[Asp3356Val]LDGRALGLPP